The following is an entry in ClinVar:

ClinVar aggregate classification (germline): Likely pathogenic (1 of 4 stars; one submission).

Conditions:
Autosomal recessive limb-girdle muscular dystrophy type 2J (LGMDR10). Also called: Limb-girdle muscular dystrophy, type 2J; MUSCULAR DYSTROPHY, LIMB-GIRDLE, AUTOSOMAL RECESSIVE 10. Identifiers: Orphanet 140922, MedGen C1837342, MONDO:0012127, OMIM 608807.
Dilated cardiomyopathy 1G (CMD1G). Identifiers: Orphanet 154, MedGen C1858763, MONDO:0011400, OMIM 604145.

Submission:

Labcorp Genetics (formerly Invitae), Labcorp
Classification: Likely pathogenic for Dilated cardiomyopathy 1G; Autosomal recessive limb-girdle muscular dystrophy type 2J. Last evaluated: 2025-05-18. Review status: criteria provided, single submitter. Criteria: Invitae Variant Classification Sherloc (09022015). Collection method: clinical testing. Allele origin: germline.
Comment: This sequence change affects a donor splice site in intron 65 of the TTN gene. It is expected to disrupt RNA splicing and likely results in a truncated or disrupted TTN protein. This variant is not present in population databases (gnomAD no frequency). This variant has not been reported in the literature in individuals affected with TTN-related conditions. Algorithms developed to predict the effect of sequence changes on RNA splicing suggest that this variant may disrupt the consensus splice site. This variant is located in the I band of TTN (PMID: 25589632). Truncating variants in this region have been reported in individuals affected with autosomal recessive centronuclear myopathy (PMID: 23975875, internal data). Truncating variants in this region have also been identified in individuals affected with autosomal dominant dilated cardiomyopathy and/or cardio-related conditions (PMID: 27869827, 32964742, internal data). In summary, the currently available evidence indicates that the variant is pathogenic, but additional data are needed to prove that conclusively. Therefore, this variant has been classified as Likely Pathogenic.

Literature cited by the submitters: PubMed 25589632; PubMed 23975875; PubMed 27869827; PubMed 32964742.

NM_001267550.2(TTN):c.19147+1G>A

Gene: TTN (titin; minus strand). Cytogenetic location: 2q31.2.
Variant type: single nucleotide variant.
Coding change: c.19147+1G>A on transcript NM_001267550.2 (MANE Select); the canonical splice donor site of the intron after coding-DNA position 19147, G replaced by A.
Molecular consequence: splice donor variant. On other transcripts: intron variant (3).
Genome position (GRCh38, 1-based): chr2:178,728,890, C>T on the plus strand (G>A on the coding strand, the complement: TTN is on the minus strand). VCF-style: chr2-178728890-C-T. GRCh37 (hg19) VCF-style: chr2-179593617-C-T.
Other names: c.13282+9192G>A (NM_003319.4); c.13858+9192G>A (NM_133437.4); c.13657+9192G>A (NM_133432.3); c.15415+1G>A (NM_133378.4); c.18196+1G>A (NM_001256850.1).
Identifiers: ClinVar variation 4789043 (VCV004789043.1).